The following is an entry in ClinVar:

NM_000141.5(FGFR2):c.1211C>T (p.Thr404Ile)

Gene: FGFR2 (fibroblast growth factor receptor 2; minus strand). Cytogenetic location: 10q26.13.
Variant type: single nucleotide variant.
Coding change: c.1211C>T on transcript NM_000141.5 (MANE Select); coding-DNA position 1211, C replaced by T.
Protein change: p.Thr404Ile; replaces threonine 404 with isoleucine.
Molecular consequence: missense variant. On other transcripts: non-coding transcript variant (1), intron variant (1).
Genome position (GRCh38, 1-based): chr10:121,515,193, G>A on the plus strand (C>T on the coding strand, the complement: FGFR2 is on the minus strand). VCF-style: chr10-121515193-G-A. GRCh37 (hg19) VCF-style: chr10-123274707-G-A.
Other names: c.1211C>T, p.Thr404Ile (NM_001320658.2); c.1214C>T, p.Thr405Ile (NM_022970.4, NM_001144913.1); c.944C>T, p.Thr315Ile (NM_023029.3, NM_001144915.2); c.939+4786C>T (NM_001144917.2); c.875C>T, p.Thr292Ile (NM_001144914.1); c.866C>T, p.Thr289Ile (NM_001144916.2, NM_001144918.2); c.947C>T, p.Thr316Ile (NM_001144919.2); c.527C>T, p.Thr176Ile (NM_001320654.2); short protein forms T315I, T404I, T405I, T316I, T176I, T289I, T292I.
Identifiers: ClinVar variation 2131368 (VCV002131368.4), dbSNP rs1003638950, ClinGen allele CA214305327.

ClinVar aggregate classification (germline): Uncertain significance (1 of 4 stars; one submission).

Conditions:
FGFR2-related craniosynostosis. Identifiers: MedGen CN231480.

Allele frequency attached by ClinVar (database versions not stated): TOPMed 0.00002.
gnomAD v4.1: 1 of 1,614,164 alleles (0.000062%); highest among the groups gnomAD compares: African/African-American, 0.0013%; no homozygotes.

Submission:

Labcorp Genetics (formerly Invitae), Labcorp
Classification: Uncertain significance for FGFR2-related craniosynostosis. Last evaluated: 2024-10-25. Review status: criteria provided, single submitter. Criteria: Invitae Variant Classification Sherloc (09022015). Collection method: clinical testing. Allele origin: germline.
Comment: This sequence change replaces threonine, which is neutral and polar, with isoleucine, which is neutral and non-polar, at codon 404 of the FGFR2 protein (p.Thr404Ile). This variant is present in population databases (no rsID available, gnomAD 0.007%). This variant has not been reported in the literature in individuals affected with FGFR2-related conditions. ClinVar contains an entry for this variant (Variation ID: 2131368). Invitae Evidence Modeling of protein sequence and biophysical properties (such as structural, functional, and spatial information, amino acid conservation, physicochemical variation, residue mobility, and thermodynamic stability) indicates that this missense variant is not expected to disrupt FGFR2 protein function with a negative predictive value of 80%. In summary, the available evidence is currently insufficient to determine the role of this variant in disease. Therefore, it has been classified as a Variant of Uncertain Significance.